The following is an entry in ClinVar:

ClinVar aggregate classification (germline): Uncertain significance. Review status: criteria provided, multiple submitters, no conflicts (2 of 4 stars). 2 submissions from 2 submitters: Uncertain significance (2). Last evaluated 2023-01-10.

Conditions:
Chédiak-Higashi syndrome (CHS). Also called: Chediak-Higashi Syndrome. Identifiers: Orphanet 167, MedGen C0007965, MONDO:0008963, OMIM 214500.

Allele frequency attached by ClinVar (database versions not stated): TOPMed below 0.00001; gnomAD 0.00001.
gnomAD v4.1: 25 of 1,606,606 alleles (0.0016%); highest among the groups gnomAD compares: South Asian, 0.0033%; no homozygotes.

Submissions (2):

Department of Pathology and Laboratory Medicine, Sinai Health System
Classification: Uncertain significance for Chédiak-Higashi syndrome. Last evaluated: 2023-01-10. Review status: criteria provided, single submitter. Criteria: ACMG Guidelines, 2015. Collection method: research. Allele origin: germline.

Labcorp Genetics (formerly Invitae), Labcorp
Classification: Uncertain significance for Chédiak-Higashi syndrome. Last evaluated: 2021-08-14. Review status: criteria provided, single submitter. Criteria: Invitae Variant Classification Sherloc (09022015). Collection method: clinical testing. Allele origin: germline.
Comment: This sequence change affects codon 1674 of the LYST mRNA. It is a 'silent' change, meaning that it does not change the encoded amino acid sequence of the LYST protein. This variant is not present in population databases (ExAC no frequency). This variant has not been reported in the literature in individuals affected with LYST-related conditions. Algorithms developed to predict the effect of sequence changes on RNA splicing suggest that this variant is not likely to affect RNA splicing. In summary, the available evidence is currently insufficient to determine the role of this variant in disease. Therefore, it has been classified as a Variant of Uncertain Significance.

NM_000081.4(LYST):c.5022C>T (p.Asn1674=)

Gene: LYST (lysosomal trafficking regulator; minus strand). Cytogenetic location: 1q42.3.
Variant type: single nucleotide variant.
Coding change: c.5022C>T on transcript NM_000081.4 (MANE Select); coding-DNA position 5022, C replaced by T.
Protein change: p.Asn1674=; no amino-acid change (asparagine 1674 retained).
Molecular consequence: synonymous variant.
Genome position (GRCh38, 1-based): chr1:235,781,928, G>A on the plus strand (C>T on the coding strand, the complement: LYST is on the minus strand). VCF-style: chr1-235781928-G-A. GRCh37 (hg19) VCF-style: chr1-235945228-G-A.
Other names: c.5022C>T, p.Asn1674= (NM_001301365.1).
Identifiers: ClinVar variation 1394008 (VCV001394008.6), dbSNP rs1029215093, ClinGen allele CA39624324.
Genomic context (GRCh38, chr1:235,781,928, plus strand): 5'-AAAAAATCTCACTCTGTCGCCCAGGCTGAAGTGCAGTGGTGCAATCATAGCTCACTCACC[G>A]TTGAAGAGAAGCAAATTTCCCAGGTCCCATTTTCCAGCCAACTGCAAAAACTCTTCTTGG-3'
Protein context (NP_000072.2, residues 1664-1684): KWDLGNLLLF[Asn1674=]GAKVGSQEAF